The following is an entry in ClinVar:

NM_133642.5(LARGE1):c.2221C>T (p.Arg741Cys)

Gene: LARGE1 (LARGE xylosyl- and glucuronyltransferase 1; minus strand). Cytogenetic location: 22q12.3.
Variant type: single nucleotide variant.
Coding change: c.2221C>T on transcript NM_133642.5 (MANE Select); coding-DNA position 2221, C replaced by T.
Protein change: p.Arg741Cys; replaces arginine 741 with cysteine.
Molecular consequence: missense variant.
Genome position (GRCh38, 1-based): chr22:33,274,477, G>A on the plus strand (C>T on the coding strand, the complement: LARGE1 is on the minus strand). VCF-style: chr22-33274477-G-A. GRCh37 (hg19) VCF-style: chr22-33670463-G-A.
Other names: c.2221C>T, p.Arg741Cys (NM_001362949.2, NM_001362951.2, NM_001362953.2 and 4 more transcripts); c.2074C>T, p.Arg692Cys (NM_001378627.1, NM_001378628.1); c.2065C>T, p.Arg689Cys (NM_001378629.1); c.1618C>T, p.Arg540Cys (NM_001378630.1); c.1315C>T, p.Arg439Cys (NM_001378631.1); short protein forms R540C, R689C, R439C, R692C, R741C.
Identifiers: ClinVar variation 2202760 (VCV002202760.1), dbSNP rs771283039, ClinGen allele CA10202543.
Genomic context (GRCh38, chr22:33,274,477, plus strand): 5'-CTTCTTGGTGCTAGCTGTTGTTCTCGGCTGTGAGATATTTCAGGGCAGCAAAGCCGTAGC[G>A]GCGGGACATGTCCTGCTGAAACTCTTCCTTGAGGGTTTTGAGACAGATGCGGTATTGCTT-3'
Protein context (NP_598397.1, residues 731-751): KEEFQQDMSR[Arg741Cys]YGFAALKYLT

ClinVar aggregate classification (germline): Uncertain significance (1 of 4 stars; one submission).

Conditions:
Muscular dystrophy-dystroglycanopathy type B6 (MDDGB6). Also called: MUSCULAR DYSTROPHY-DYSTROGLYCANOPATHY (CONGENITAL WITH IMPAIRED INTELLECTUAL DEVELOPMENT), TYPE B, 6; MUSCULAR DYSTROPHY, CONGENITAL, LARGE-RELATED; MUSCULAR DYSTROPHY, CONGENITAL, TYPE 1D. Identifiers: MedGen C1837229, MONDO:0012138, OMIM 608840.

Allele frequency attached by ClinVar (database versions not stated): gnomAD exomes below 0.00001; TOPMed 0.00001; ExAC 0.00002.
gnomAD v4.1: 7 of 1,614,188 alleles (0.00043%); highest among the groups gnomAD compares: South Asian, 0.0022%; no homozygotes.

Submission:

Labcorp Genetics (formerly Invitae), Labcorp
Classification: Uncertain significance for Muscular dystrophy-dystroglycanopathy type B6. Last evaluated: 2022-08-15. Review status: criteria provided, single submitter. Criteria: Invitae Variant Classification Sherloc (09022015). Collection method: clinical testing. Allele origin: germline.
Comment: This sequence change replaces arginine, which is basic and polar, with cysteine, which is neutral and slightly polar, at codon 741 of the LARGE1 protein (p.Arg741Cys). This variant is present in population databases (rs771283039, gnomAD 0.003%). This variant has not been reported in the literature in individuals affected with LARGE1-related conditions. Algorithms developed to predict the effect of missense changes on protein structure and function (SIFT, PolyPhen-2, Align-GVGD) all suggest that this variant is likely to be disruptive. In summary, the available evidence is currently insufficient to determine the role of this variant in disease. Therefore, it has been classified as a Variant of Uncertain Significance.